The following is an entry in ClinVar:

NM_000435.3(NOTCH3):c.2953C>T (p.Arg985Cys)

Gene: NOTCH3 (notch receptor 3; minus strand). Cytogenetic location: 19p13.12.
Variant type: single nucleotide variant.
Coding change: c.2953C>T on transcript NM_000435.3 (MANE Select); coding-DNA position 2953, C replaced by T.
Protein change: p.Arg985Cys; replaces arginine 985 with cysteine.
Molecular consequence: missense variant.
Genome position (GRCh38, 1-based): chr19:15,181,002, G>A on the plus strand (C>T on the coding strand, the complement: NOTCH3 is on the minus strand). VCF-style: chr19-15181002-G-A. GRCh37 (hg19) VCF-style: chr19-15291813-G-A.
Other names: short protein forms R985C.
Identifiers: ClinVar variation 447819 (VCV000447819.13), dbSNP rs1188569102, ClinGen allele CA404514605.

ClinVar aggregate classification (germline): Pathogenic/Likely pathogenic. Review status: criteria provided, multiple submitters, no conflicts (2 of 4 stars). 6 submissions from 6 submitters: Pathogenic (4); Likely pathogenic (2). Last evaluated 2025-07-01.

Conditions:
Cerebral arteriopathy, autosomal dominant, with subcortical infarcts and leukoencephalopathy, type 1 (CADASIL1). Also called: CADASIL 1; CASIL; DEMENTIA, HEREDITARY MULTIINFARCT TYPE; Cerebral arteriopathy with subcortical infarcts and leukoencephalopathy 1. Identifiers: Orphanet 136, MedGen C4551768, MONDO:0000914, OMIM 125310.

Submissions (6):

Women's Health and Genetics/Laboratory Corporation of America, LabCorp
Classification: Pathogenic for Cerebral arteriopathy, autosomal dominant, with subcortical infarcts and leukoencephalopathy, type 1. Last evaluated: 2025-07-01. Review status: criteria provided, single submitter. Criteria: LabCorp Variant Classification Summary - May 2015. Collection method: clinical testing. Allele origin: germline.
Comment: Variant summary: NOTCH3 c.2953C>T (p.Arg985Cys) results in a non-conservative amino acid change in the encoded protein sequence. Algorithms developed to predict the effect of missense changes on protein structure and function are either unavailable or do not agree on the potential impact of this missense change. The variant was absent in 215298 control chromosomes. c.2953C>T has been observed in multiple individuals affected with Cerebral arteriopathy, autosomal dominant, with subcortical infarcts and leukoencephalopathy, type 1 (Joutel_1997, Peters_2005, Tikka_2009, Mukai_2020). These data indicate that the variant is very likely to be associated with disease. To our knowledge, no experimental evidence demonstrating an impact on protein function has been reported. The following publications have been ascertained in the context of this evaluation (PMID: 9388399, 32277177, 16009764, 19174371). ClinVar contains an entry for this variant (Variation ID: 447819). Based on the evidence outlined above, the variant was classified as pathogenic.

Labcorp Genetics (formerly Invitae), Labcorp
Classification: Likely pathogenic. Last evaluated: 2025-05-08. Review status: criteria provided, single submitter. Criteria: Invitae Variant Classification Sherloc (09022015). Collection method: clinical testing. Allele origin: germline.
Comment: This sequence change replaces arginine, which is basic and polar, with cysteine, which is neutral and slightly polar, at codon 985 of the NOTCH3 protein (p.Arg985Cys). This variant is not present in population databases (gnomAD no frequency). This missense change has been observed in individuals with cerebral arteriopathy with subcortical infarcts and leukoencephalopathy 1 (CADASIL) (PMID: 9388399, 11755616, 16009764, 19174371, 30311053, 32277177). This variant is also known as c.3031C>T. ClinVar contains an entry for this variant (Variation ID: 447819). Invitae Evidence Modeling of protein sequence and biophysical properties (such as structural, functional, and spatial information, amino acid conservation, physicochemical variation, residue mobility, and thermodynamic stability) has been performed for this missense variant. However, the output from this modeling did not meet the statistical confidence thresholds required to predict the impact of this variant on NOTCH3 protein function. In summary, the currently available evidence indicates that the variant is pathogenic, but additional data are needed to prove that conclusively. Therefore, this variant has been classified as Likely Pathogenic.

Athena Diagnostics
Classification: Pathogenic. Last evaluated: 2025-01-29. Review status: criteria provided, single submitter. Criteria: Athena Diagnostics Criteria. Collection method: clinical testing. Allele origin: unknown.
Comment: This variant alters a critical location within the protein, and is expected to severely affect function and cause disease. This variant has not been reported in large, multi-ethnic general populations. This variant has been identified in multiple unrelated individuals with clinical features associated with CADASIL. Greater than 90% of NOTCH3 pathogenic variants associated with CADASIL involve the gain or loss of a cysteine residue within the epidermal growth factor (EGF)-like repeat domain (PMID: 32457593, 20301673).

ARUP Laboratories, Molecular Genetics and Genomics, ARUP Laboratories
Classification: Pathogenic. Last evaluated: 2024-12-18. Review status: criteria provided, single submitter. Criteria: ARUP Molecular Germline Variant Investigation Process 2024. Collection method: clinical testing. Allele origin: germline.
Comment: The NOTCH3 c.2953C>T; p.Arg985Cys variant (rs1188569102) is reported in the literature in multiple individuals affected with CADASIL (Joutel 1997, Mukai 2020, Opherk 2004, Tikka 2009). This variant is absent from the Genome Aggregation Database (v2.1.1), indicating it is not a common polymorphism. This variant occurs in an EGF-like domain, and computational analyses are uncertain whether this variant is neutral or deleterious (REVEL: 0.67). Most pathogenic NOTCH3 variants occur in exons 2-24 and either create or destroy a cysteine residue within an EGF-like domain (Rutten 2014); thus, this variant is consistent with the predominant mechanism of disease in this gene. Based on available information, this variant is considered to be pathogenic. References: Joutel A et al. Strong clustering and stereotyped nature of Notch3 mutations in CADASIL patients. Lancet. 1997 Nov 22;350(9090):1511-5. PMID: 9388399. Mukai M et al. Genotype-phenotype correlations and effect of mutation location in Japanese CADASIL patients. J Hum Genet. 2020 Aug;65(8):637-646. PMID: 32277177. Opherk C et al. Long-term prognosis and causes of death in CADASIL: a retrospective study in 411 patients. Brain. 2004 Nov;127(Pt 11):2533-9. PMID: 15364702. Rutten JW et al. Interpretation of NOTCH3 mutations in the diagnosis of CADASIL. Expert Rev Mol Diagn. 2014 Jun;14(5):593-603. PMID: 24844136. Tikka S et al. Congruence between NOTCH3 mutations and GOM in 131 CADASIL patients. Brain. 2009 Apr;132(Pt 4):933-9. PMID: 19174371.

Mayo Clinic Laboratories, Mayo Clinic
Classification: Pathogenic. Last evaluated: 2024-08-27. Review status: criteria provided, single submitter. Criteria: ACMG Guidelines, 2015. Collection method: clinical testing. Allele origin: germline. Observed: 2 variant alleles.
Comment: PP2, PP4, PM1, PM2_moderate, PS4

MGZ Medical Genetics Center
Classification: Likely pathogenic for Cerebral arteriopathy, autosomal dominant, with subcortical infarcts and leukoencephalopathy, type 1. Last evaluated: 2022-04-12. Review status: criteria provided, single submitter. Criteria: ACMG Guidelines, 2015. Collection method: clinical testing. Allele origin: germline. Affected: yes. Observed: 2 variant alleles.
Comment: ACMG criteria applied: PM1_STR, PM2_SUP, PP2, PP3

Literature cited by the submitters: PubMed 32277177 (cited by 3 submitters); PubMed 16009764 (cited by 4 submitters); PubMed 9388399 (cited by 4 submitters); PubMed 19174371 (cited by 4 submitters); PubMed 11755616 (cited by 3 submitters); PubMed 30311053 (cited by Labcorp Genetics (formerly Invitae), Labcorp and Athena Diagnostics); PubMed 23844775 (cited by Athena Diagnostics and Mayo Clinic Laboratories, Mayo Clinic); PubMed 20167921 (cited by Athena Diagnostics and Mayo Clinic Laboratories, Mayo Clinic); PubMed 15995828 (cited by Athena Diagnostics and Mayo Clinic Laboratories, Mayo Clinic); PubMed 36221938 (cited by Athena Diagnostics and Mayo Clinic Laboratories, Mayo Clinic); PubMed 33130454 (cited by Athena Diagnostics and Mayo Clinic Laboratories, Mayo Clinic); PubMed 30956055 (cited by Athena Diagnostics and Mayo Clinic Laboratories, Mayo Clinic); PubMed 15364702 (cited by Athena Diagnostics and Mayo Clinic Laboratories, Mayo Clinic); PubMed 11102981 (cited by Mayo Clinic Laboratories, Mayo Clinic).